The following is an entry in ClinVar:

ClinVar aggregate classification (germline): Likely benign. Review status: criteria provided, multiple submitters, no conflicts (2 of 4 stars). 2 submissions from 2 submitters: Likely benign (2). Last evaluated 2024-07-06.

Allele frequency attached by ClinVar (database versions not stated): gnomAD exomes below 0.00001; ExAC 0.00001; TOPMed 0.00002; gnomAD 0.00003; ESP Exome Variant Server 0.00008.
gnomAD v4.1: 46 of 1,613,808 alleles (0.0029%); highest among the groups gnomAD compares: Non-Finnish European, 0.0039%; no homozygotes.

Submissions (2):

Labcorp Genetics (formerly Invitae), Labcorp
Classification: Likely benign. Last evaluated: 2024-07-06. Review status: criteria provided, single submitter. Criteria: Invitae Variant Classification Sherloc (09022015). Collection method: clinical testing. Allele origin: germline.

CeGaT Center for Human Genetics Tuebingen
Classification: Likely benign. Last evaluated: 2024-01-01. Review status: criteria provided, single submitter. Criteria: CeGaT Center For Human Genetics Tuebingen Variant Classification Criteria Version 2. Collection method: clinical testing. Allele origin: germline. Affected: yes. Observed: 1 variant allele.
Comment: CTNNB1: BP4, BP7

NM_001904.4(CTNNB1):c.552C>T (p.Ser184=)

Genes: CTNNB1 (catenin beta 1; plus strand), LOC126806658 (BRD4-independent group 4 enhancer GRCh37_chr3:41265899-41267098; plus strand). Cytogenetic location: 3p22.1.
Variant type: single nucleotide variant.
Coding change: c.552C>T on transcript NM_001904.4 (MANE Select); coding-DNA position 552, C replaced by T.
Protein change: p.Ser184=; no amino-acid change (serine 184 retained).
Molecular consequence: synonymous variant.
Genome position (GRCh38, 1-based): chr3:41,225,390, C>T. VCF-style: chr3-41225390-C-T. GRCh37 (hg19) VCF-style: chr3-41266881-C-T.
Other names: c.552C>T, p.Ser184= (NM_001098209.2, NM_001098210.2); c.531C>T, p.Ser177= (NM_001330729.2).
Identifiers: ClinVar variation 1626361 (VCV001626361.30), dbSNP rs375776725, ClinGen allele CA2330944.
Genomic context (GRCh38, chr3:41,225,390, plus strand): 5'-ACAGGTGGTGGTTAATAAGGCTGCAGTTATGGTCCATCAGCTTTCTAAAAAGGAAGCTTC[C>T]AGACACGCTATCATGCGTTCTCCTCAGATGGTGTCTGCTATTGTACGTACCATGCAGAAT-3'
Protein context (NP_001895.1, residues 174-194): MVHQLSKKEA[Ser184=]RHAIMRSPQM